The following is an entry in ClinVar:

ClinVar aggregate classification (germline): Likely benign (1 of 4 stars; one submission).

Allele frequency attached by ClinVar (database versions not stated): 1000 Genomes Project 0.00260; 1000 Genomes Project 30x 0.00297; TOPMed 0.00598; gnomAD 0.00643.
gnomAD v4.1: 995 of 152,284 alleles (0.65%); highest among the groups gnomAD compares: Non-Finnish European, 0.8%; 2 homozygotes.

Submission:

GeneDx
Classification: Likely benign. Last evaluated: 2018-06-14. Review status: criteria provided, single submitter. Criteria: GeneDx Variant Classification (06012015). Collection method: clinical testing. Allele origin: germline. Affected: yes.
Comment: This variant is considered likely benign or benign based on one or more of the following criteria: it is a conservative change, it occurs at a poorly conserved position in the protein, it is predicted to be benign by multiple in silico algorithms, and/or has population frequency not consistent with disease.

NM_144670.6(A2ML1):c.484-181T>C

Gene: A2ML1 (alpha-2-macroglobulin like 1; plus strand). Cytogenetic location: 12p13.31.
Variant type: single nucleotide variant.
Coding change: c.484-181T>C on transcript NM_144670.6 (MANE Select); 181 bases into the intron before coding-DNA position 484, T replaced by C.
Molecular consequence: intron variant.
Genome position (GRCh38, 1-based): chr12:8,835,326, T>C. VCF-style: chr12-8835326-T-C. GRCh37 (hg19) VCF-style: chr12-8987922-T-C.
Identifiers: ClinVar variation 561572 (VCV000561572.1), dbSNP rs73037001, ClinGen allele CA232669338.
Genomic context (GRCh38, chr12:8,835,326, plus strand): 5'-ATCATTAAAATCCACAAGATTTCCTACCAAATGGGGGCTGGATCTATAGAAATATTTACC[T>C]CATTCCGCCATAAAGAAAGTTATAAATAACACAGGGAGCTGCTCTTCCTGGACACAGACC-3'